The following is an entry in ClinVar:

ClinVar aggregate classification (germline): Likely benign (1 of 4 stars; one submission).

Conditions:
NRP2-related disorder. Also called: NRP2-related condition.

gnomAD v4.1: 16 of 1,614,016 alleles (0.00099%); highest among the groups gnomAD compares: East Asian, 0.0045%; no homozygotes.

Submission:

PreventionGenetics, part of Exact Sciences
Classification: Likely benign for NRP2-related condition. Last evaluated: 2024-12-18. Review status: criteria provided, single submitter. Criteria: ACMG Guidelines, 2015. Collection method: clinical testing. Allele origin: germline.
Comment: This variant is classified as likely benign based on ACMG/AMP sequence variant interpretation guidelines (Richards et al. 2015 PMID: 25741868, with internal and published modifications).

NM_003872.3(NRP2):c.417C>T (p.Tyr139=)

Gene: NRP2 (neuropilin 2; plus strand). Cytogenetic location: 2q33.3.
Variant type: single nucleotide variant.
Coding change: c.417C>T on transcript NM_003872.3 (MANE Select); coding-DNA position 417, C replaced by T.
Protein change: p.Tyr139=; no amino-acid change (tyrosine 139 retained).
Molecular consequence: synonymous variant.
Genome position (GRCh38, 1-based): chr2:205,716,358, C>T. VCF-style: chr2-205716358-C-T. GRCh37 (hg19) VCF-style: chr2-206581082-C-T.
Other names: c.417C>T, p.Tyr139= (NM_018534.4, NM_201264.2, NM_201266.2 and 2 more transcripts).
Identifiers: ClinVar variation 4981298 (VCV004981298.1).